The following is an entry in ClinVar:

ClinVar aggregate classification (germline): Benign/Likely benign. Review status: criteria provided, multiple submitters, no conflicts (2 of 4 stars). 2 submissions from 2 submitters: Benign (1); Likely benign (1). Last evaluated 2022-06-01.

Conditions:
Inborn genetic diseases. Identifiers: MedGen C0950123, MeSH D030342.

Allele frequency attached by ClinVar (database versions not stated): gnomAD exomes 0.00056; ExAC 0.00075; 1000 Genomes Project 30x 0.00187; 1000 Genomes Project 0.00200; ESP Exome Variant Server 0.00238; gnomAD 0.00250 and 0.00263; TOPMed 0.00261.
gnomAD v4.1: 753 of 1,613,112 alleles (0.047%); highest among the groups gnomAD compares: African/African-American, 0.84%; 5 homozygotes.

Submissions (2):

CeGaT Center for Human Genetics Tuebingen
Classification: Benign. Last evaluated: 2022-06-01. Review status: criteria provided, single submitter. Criteria: CeGaT Center For Human Genetics Tuebingen Variant Classification Criteria Version 2. Collection method: clinical testing. Allele origin: germline. Affected: yes. Observed: 2 variant alleles.
Comment: DDX6: BS1, BS2

Ambry Genetics
Classification: Likely benign for Inborn genetic diseases. Last evaluated: 2022-01-26. Review status: criteria provided, single submitter. Criteria: Ambry Variant Classification Scheme 2023. Collection method: clinical testing. Allele origin: germline.

NM_004397.6(DDX6):c.191C>A (p.Thr64Asn)

Gene: DDX6 (DEAD-box helicase 6; minus strand). Cytogenetic location: 11q23.3.
Variant type: single nucleotide variant.
Coding change: c.191C>A on transcript NM_004397.6 (MANE Select); coding-DNA position 191, C replaced by A.
Protein change: p.Thr64Asn; replaces threonine 64 with asparagine.
Molecular consequence: missense variant.
Genome position (GRCh38, 1-based): chr11:118,786,061, G>T on the plus strand (C>A on the coding strand, the complement: DDX6 is on the minus strand). VCF-style: chr11-118786061-G-T. GRCh37 (hg19) VCF-style: chr11-118656770-G-T.
Other names: c.191C>A (NM_004397.4); c.191C>A, p.Thr64Asn (NM_001257191.3); short protein forms T64N.
Identifiers: ClinVar variation 1694649 (VCV001694649.34), dbSNP rs116239239, ClinGen allele CA6308608.